The following is an entry in ClinVar:

NM_152383.5(DIS3L2):c.1170C>T (p.Leu390=)

Gene: DIS3L2 (DIS3 like 3'-5' exoribonuclease 2; plus strand). Cytogenetic location: 2q37.1.
Variant type: single nucleotide variant.
Coding change: c.1170C>T on transcript NM_152383.5 (MANE Select); coding-DNA position 1170, C replaced by T.
Protein change: p.Leu390=; no amino-acid change (leucine 390 retained).
Molecular consequence: synonymous variant. On other transcripts: non-coding transcript variant (2).
Genome position (GRCh38, 1-based): chr2:232,210,371, C>T. VCF-style: chr2-232210371-C-T. GRCh37 (hg19) VCF-style: chr2-233075081-C-T.
Other names: p.Leu390=; c.1170C>T, p.Leu390= (NM_001257281.2).
Identifiers: ClinVar variation 334936 (VCV000334936.19), dbSNP rs17272089, ClinGen allele CA2164055.

ClinVar aggregate classification (germline): Benign/Likely benign. Review status: criteria provided, multiple submitters, no conflicts (2 of 4 stars). 8 submissions from 8 submitters: Benign (4); Likely benign (2). 2 of the submissions do not count toward it. Last evaluated 2026-02-04.

Conditions:
Perlman syndrome (PRLMNS). Identifiers: Orphanet 2849, MedGen C0796113, MONDO:0009965, OMIM 267000.

Allele frequency attached by ClinVar (database versions not stated): gnomAD exomes 0.02584 and 0.02153; 1000 Genomes Project 30x 0.01530; 1000 Genomes Project 0.01538; gnomAD 0.01655 and 0.01760; TOPMed 0.01688; ExAC 0.02155; ESP Exome Variant Server 0.02432.
gnomAD v4.1: 40,413 of 1,613,548 alleles (2.5%); highest among the groups gnomAD compares: South Asian, 4%; 638 homozygotes.

Submissions (8):

Labcorp Genetics (formerly Invitae), Labcorp
Classification: Benign for Perlman syndrome. Last evaluated: 2026-02-04. Review status: criteria provided, single submitter. Criteria: Invitae Variant Classification Sherloc (09022015). Collection method: clinical testing. Allele origin: germline.

Mayo Clinic Laboratories, Mayo Clinic
Classification: Likely benign. Last evaluated: 2025-11-14. Review status: criteria provided, single submitter. Criteria: ACMG Guidelines, 2015. Collection method: clinical testing. Allele origin: germline. Observed: 24 variant alleles.
Comment: BS1, BP4, BP7

Blueprint Genetics
Classification: Likely benign. Last evaluated: 2024-11-26. Review status: criteria provided, single submitter. Criteria: ACMG Guidelines, 2015. Collection method: clinical testing. Allele origin: germline.

GeneDx
Classification: Benign. Last evaluated: 2021-03-22. Review status: criteria provided, single submitter. Criteria: GeneDx Variant Classification Process June 2021. Collection method: clinical testing. Allele origin: germline. Affected: yes.

Illumina Laboratory Services, Illumina
Classification: Benign for Perlman syndrome. Last evaluated: 2018-01-12. Review status: criteria provided, single submitter. Criteria: ICSL Variant Classification Criteria 13 December 2019. Collection method: clinical testing. Allele origin: germline.
Comment: This variant was observed in the ICSL laboratory as part of a predisposition screen in an ostensibly healthy population. It had not been previously curated by ICSL or reported in the Human Gene Mutation Database (HGMD: prior to June 1st, 2018), and was therefore a candidate for classification through an automated scoring system. Utilizing variant allele frequency, disease prevalence and penetrance estimates, and inheritance mode, an automated score was calculated to assess if this variant is too frequent to cause the disease. Based on the score and internal cut-off values, a variant classified as benign is not then subjected to further curation. The score for this variant resulted in a classification of benign for this disease.

Breakthrough Genomics
Classification: Benign. Review status: criteria provided, single submitter. Criteria: ACMG Guidelines, 2015. Collection method: not provided. Allele origin: germline. Inheritance: Autosomal recessive inheritance. Affected: yes.

Genome Diagnostics Laboratory, Amsterdam University Medical Center
Classification: Benign. Review status: no assertion criteria provided. Collection method: clinical testing. Allele origin: germline. Affected: yes. Study: VKGL Data-share Consensus. Not counted in ClinVar's aggregate classification.

Laboratory of Diagnostic Genome Analysis, Leiden University Medical Center (LUMC)
Classification: Benign. Review status: no assertion criteria provided. Collection method: clinical testing. Allele origin: germline. Affected: yes. Study: VKGL Data-share Consensus. Not counted in ClinVar's aggregate classification.